The following is an entry in ClinVar:

ClinVar aggregate classification (germline): Likely benign. Review status: criteria provided, multiple submitters, no conflicts (2 of 4 stars). 3 submissions from 3 submitters: Likely benign (3). Last evaluated 2026-03-05.

Conditions:
SCARB2-related disorder. Also called: SCARB2-related condition.
Inborn genetic diseases. Identifiers: MedGen C0950123, MeSH D030342.
Progressive myoclonic epilepsy. Also called: Myoclonus epilepsy; Familial progressive myoclonic epilepsy; Myoclonic Epilepsies, Progressive; Progressive myoclonus epilepsy. Identifiers: Orphanet 308, Orphanet 98261, MedGen C0751778, MONDO:0020074.

Allele frequency attached by ClinVar (database versions not stated): ExAC 0.00003; gnomAD exomes 0.00003; 1000 Genomes Project 30x 0.00016; 1000 Genomes Project 0.00020; gnomAD 0.00001 and 0.00002; TOPMed 0.00001.
gnomAD v4.1: 52 of 1,614,096 alleles (0.0032%); highest among the groups gnomAD compares: African/African-American, 0.0093%; 1 homozygote.

Submissions (3):

PreventionGenetics, part of Exact Sciences
Classification: Likely benign for SCARB2-related condition. Last evaluated: 2026-03-05. Review status: criteria provided, single submitter. Criteria: ACMG Guidelines, 2015. Collection method: clinical testing. Allele origin: germline.
Comment: This variant is classified as likely benign based on ACMG/AMP sequence variant interpretation guidelines (Richards et al. 2015 PMID: 25741868, with internal and published modifications).

Labcorp Genetics (formerly Invitae), Labcorp
Classification: Likely benign for Progressive myoclonic epilepsy. Last evaluated: 2024-10-16. Review status: criteria provided, single submitter. Criteria: Invitae Variant Classification Sherloc (09022015). Collection method: clinical testing. Allele origin: germline.

Ambry Genetics
Classification: Likely benign for Inborn genetic diseases. Last evaluated: 2016-12-12. Review status: criteria provided, single submitter. Criteria: Ambry Variant Classification Scheme 2023. Collection method: clinical testing. Allele origin: germline.

NM_005506.4(SCARB2):c.579C>T (p.Pro193=)

Gene: SCARB2 (scavenger receptor class B member 2; minus strand). Cytogenetic location: 4q21.1.
Variant type: single nucleotide variant.
Coding change: c.579C>T on transcript NM_005506.4 (MANE Select); coding-DNA position 579, C replaced by T.
Protein change: p.Pro193=; no amino-acid change (proline 193 retained).
Molecular consequence: synonymous variant. On other transcripts: intron variant (1).
Genome position (GRCh38, 1-based): chr4:76,179,550, G>A on the plus strand (C>T on the coding strand, the complement: SCARB2 is on the minus strand). VCF-style: chr4-76179550-G-A. GRCh37 (hg19) VCF-style: chr4-77100703-G-A.
Other names: c.276-3640C>T (NM_001204255.2).
Identifiers: ClinVar variation 589990 (VCV000589990.15), dbSNP rs148029250, ClinGen allele CA2970311.